The following is an entry in ClinVar:

NM_133642.5(LARGE1):c.494G>A (p.Arg165Gln)

Gene: LARGE1 (LARGE xylosyl- and glucuronyltransferase 1; minus strand). Cytogenetic location: 22q12.3.
Variant type: single nucleotide variant.
Coding change: c.494G>A on transcript NM_133642.5 (MANE Select); coding-DNA position 494, G replaced by A.
Protein change: p.Arg165Gln; replaces arginine 165 with glutamine.
Molecular consequence: missense variant.
Genome position (GRCh38, 1-based): chr22:33,604,556, C>T on the plus strand (G>A on the coding strand, the complement: LARGE1 is on the minus strand). VCF-style: chr22-33604556-C-T. GRCh37 (hg19) VCF-style: chr22-34000542-C-T.
Other names: c.494G>A, p.Arg165Gln (NM_001362949.2, NM_001362951.2, NM_001362953.2 and 7 more transcripts); short protein forms R165Q.
Identifiers: ClinVar variation 1429941 (VCV001429941.5), dbSNP rs1343483735, ClinGen allele CA411546886.

ClinVar aggregate classification (germline): Uncertain significance (1 of 4 stars; one submission).

Conditions:
Muscular dystrophy-dystroglycanopathy type B6 (MDDGB6). Also called: MUSCULAR DYSTROPHY-DYSTROGLYCANOPATHY (CONGENITAL WITH IMPAIRED INTELLECTUAL DEVELOPMENT), TYPE B, 6; MUSCULAR DYSTROPHY, CONGENITAL, LARGE-RELATED; MUSCULAR DYSTROPHY, CONGENITAL, TYPE 1D. Identifiers: MedGen C1837229, MONDO:0012138, OMIM 608840.

Allele frequency attached by ClinVar (database versions not stated): gnomAD exomes below 0.00001 and 0.00002; TOPMed below 0.00001; gnomAD 0.00001.
gnomAD v4.1: 28 of 1,613,824 alleles (0.0017%); highest among the groups gnomAD compares: South Asian, 0.0022%; no homozygotes.

Submission:

Labcorp Genetics (formerly Invitae), Labcorp
Classification: Uncertain significance for Muscular dystrophy-dystroglycanopathy type B6. Last evaluated: 2022-03-04. Review status: criteria provided, single submitter. Criteria: Invitae Variant Classification Sherloc (09022015). Collection method: clinical testing. Allele origin: germline.
Comment: This sequence change replaces arginine, which is basic and polar, with glutamine, which is neutral and polar, at codon 165 of the LARGE1 protein (p.Arg165Gln). This variant is present in population databases (no rsID available, gnomAD 0.0009%). This variant has not been reported in the literature in individuals affected with LARGE1-related conditions. Algorithms developed to predict the effect of missense changes on protein structure and function are either unavailable or do not agree on the potential impact of this missense change (SIFT: "Tolerated"; PolyPhen-2: "Possibly Damaging"; Align-GVGD: "Class C0"). Algorithms developed to predict the effect of sequence changes on RNA splicing suggest that this variant may create or strengthen a splice site. In summary, the available evidence is currently insufficient to determine the role of this variant in disease. Therefore, it has been classified as a Variant of Uncertain Significance.